The following is an entry in ClinVar:

ClinVar aggregate classification (germline): Likely benign. Review status: criteria provided, single submitter (1 of 4 stars). 2 submissions from 2 submitters: Likely benign (1). 1 of the submissions does not count toward it. Last evaluated 2026-01-26.

Conditions:
SEMA3E-related disorder. Also called: SEMA3E-related condition.
CHARGE syndrome (CHARGE). Also called: Hittner Hirsch Kreh syndrome; CHARGE ASSOCIATION--COLOBOMA, HEART ANOMALY, CHOANAL ATRESIA, RETARDATION, GENITAL AND EAR ANOMALIES; Coloboma, heart anomaly, choanal atresia, retardation, genital and ear anomalies; CHARGE association; Hall-Hittner syndrome. Identifiers: Orphanet 138, MedGen C0265354, MONDO:0008965.

gnomAD v4.1: 5 of 1,612,870 alleles (0.00031%); highest among the groups gnomAD compares: African/African-American, 0.0067%; no homozygotes.

Submissions (2):

Labcorp Genetics (formerly Invitae), Labcorp
Classification: Likely benign for CHARGE syndrome. Last evaluated: 2026-01-26. Review status: criteria provided, single submitter. Criteria: Invitae Variant Classification Sherloc (09022015). Collection method: clinical testing. Allele origin: germline.

PreventionGenetics, part of Exact Sciences
Classification: Likely benign for SEMA3E-related condition. Last evaluated: 2022-03-01. Review status: no assertion criteria provided. Collection method: clinical testing. Allele origin: germline. Not counted in ClinVar's aggregate classification.
Comment: This variant is classified as likely benign based on ACMG/AMP sequence variant interpretation guidelines (Richards et al. 2015 PMID: 25741868, with internal and published modifications).

NM_012431.3(SEMA3E):c.1875+9T>C

Gene: SEMA3E (semaphorin 3E; minus strand). Cytogenetic location: 7q21.11.
Variant type: single nucleotide variant.
Coding change: c.1875+9T>C on transcript NM_012431.3 (MANE Select); 9 bases into the intron after coding-DNA position 1875, T replaced by C.
Molecular consequence: intron variant.
Genome position (GRCh38, 1-based): chr7:83,385,285, A>G on the plus strand (T>C on the coding strand, the complement: SEMA3E is on the minus strand). VCF-style: chr7-83385285-A-G. GRCh37 (hg19) VCF-style: chr7-83014601-A-G.
Other names: c.1695+9T>C (NM_001178129.2).
Identifiers: ClinVar variation 3351985 (VCV003351985.2).